The following is an entry in ClinVar:

ClinVar aggregate classification (germline): Uncertain significance (1 of 4 stars; one submission).

Allele frequency attached by ClinVar (database versions not stated): TOPMed below 0.00001; gnomAD 0.00001; gnomAD exomes 0.00002.
gnomAD v4.1: 29 of 1,613,454 alleles (0.0018%); highest among the groups gnomAD compares: Middle Eastern, 0.017%; no homozygotes.

Submission:

Labcorp Genetics (formerly Invitae), Labcorp
Classification: Uncertain significance. Last evaluated: 2024-10-17. Review status: criteria provided, single submitter. Criteria: Invitae Variant Classification Sherloc (09022015). Collection method: clinical testing. Allele origin: germline.
Comment: This sequence change replaces alanine, which is neutral and non-polar, with valine, which is neutral and non-polar, at codon 130 of the EARS2 protein (p.Ala130Val). This variant is present in population databases (no rsID available, gnomAD 0.003%). This variant has not been reported in the literature in individuals affected with EARS2-related conditions. ClinVar contains an entry for this variant (Variation ID: 1962136). Invitae Evidence Modeling of protein sequence and biophysical properties (such as structural, functional, and spatial information, amino acid conservation, physicochemical variation, residue mobility, and thermodynamic stability) indicates that this missense variant is not expected to disrupt EARS2 protein function with a negative predictive value of 95%. In summary, the available evidence is currently insufficient to determine the role of this variant in disease. Therefore, it has been classified as a Variant of Uncertain Significance.

NM_001083614.2(EARS2):c.389C>T (p.Ala130Val)

Gene: EARS2 (glutamyl-tRNA synthetase 2, mitochondrial; minus strand). Cytogenetic location: 16p12.2.
Variant type: single nucleotide variant.
Coding change: c.389C>T on transcript NM_001083614.2 (MANE Select); coding-DNA position 389, C replaced by T.
Protein change: p.Ala130Val; replaces alanine 130 with valine.
Molecular consequence: missense variant. On other transcripts: non-coding transcript variant (1).
Genome position (GRCh38, 1-based): chr16:23,544,610, G>A on the plus strand (C>T on the coding strand, the complement: EARS2 is on the minus strand). VCF-style: chr16-23544610-G-A. GRCh37 (hg19) VCF-style: chr16-23555931-G-A.
Other names: c.389C>T, p.Ala130Val (NM_001308211.1, NM_133451.1); short protein forms A130V.
Identifiers: ClinVar variation 1962136 (VCV001962136.4), dbSNP rs887357230, ClinGen allele CA395138555.